The following is an entry in ClinVar:

NM_001365536.1(SCN9A):c.2351C>G (p.Thr784Ser)

Genes: SCN1A-AS1 (SCN1A and SCN9A antisense RNA 1; plus strand), SCN9A (sodium voltage-gated channel alpha subunit 9; minus strand). Cytogenetic location: 2q24.3.
Variant type: single nucleotide variant.
Coding change: c.2351C>G on transcript NM_001365536.1 (MANE Select); coding-DNA position 2351, C replaced by G.
Protein change: p.Thr784Ser; replaces threonine 784 with serine.
Molecular consequence: missense variant.
Genome position (GRCh38, 1-based): chr2:166,278,306, G>C on the plus strand (C>G on the coding strand, the complement: SCN9A is on the minus strand). VCF-style: chr2-166278306-G-C. GRCh37 (hg19) VCF-style: chr2-167134816-G-C.
Other names: c.2318C>G, p.Thr773Ser (NM_002977.4); short protein forms T773S, T784S.
Identifiers: ClinVar variation 245859 (VCV000245859.15), dbSNP rs200624920, ClinGen allele CA1944283.

ClinVar aggregate classification (germline): Conflicting classifications of pathogenicity. Review status: criteria provided, conflicting classifications (1 of 4 stars). 5 submissions from 5 submitters: Uncertain significance (4); Likely benign (1). Last evaluated 2026-01-05.

Conditions:
Inborn genetic diseases. Identifiers: MedGen C0950123, MeSH D030342.
Primary erythromelalgia. Also called: SCN9A Erythromelalgia (SCN9A-EM); primary erythermalgia. Identifiers: Orphanet 306577, Orphanet 90026, MedGen C0014805, MONDO:0007571, OMIM 133020.
Neuropathy, hereditary sensory and autonomic, type 2A (HSAN2A). Also called: ACROOSTEOLYSIS, GIACCAI TYPE; ACROOSTEOLYSIS, NEUROGENIC; HSAN IIA; MORVAN DISEASE; NEUROPATHY, CONGENITAL SENSORY; NEUROPATHY, HEREDITARY SENSORY RADICULAR, AUTOSOMAL RECESSIVE. Identifiers: Orphanet 970, MedGen C2752089, MONDO:0024309, OMIM 201300.
Paroxysmal extreme pain disorder (PEXPD). Also called: PAIN, SUBMANDIBULAR, OCULAR, AND RECTAL, WITH FLUSHING; RECTAL PAIN, FAMILIAL; SCN9A Paroxysmal Extreme Pain Disorder (SCN9A-PEPD). Identifiers: Orphanet 46348, MedGen C1833661, MONDO:0008179, OMIM 167400.
Channelopathy-associated congenital insensitivity to pain, autosomal recessive. Also called: ASYMBOLIA FOR PAIN; CONGENITAL ANALGESIA, AUTOSOMAL RECESSIVE; Insensitivity to pain, channelopathy-associated. Identifiers: Orphanet 88642, Orphanet 970, MedGen C1855739, MONDO:0009459, OMIM 243000.
Severe myoclonic epilepsy in infancy (DRVT). Also called: SEVERE MYOCLONIC EPILEPSY OF INFANCY; DEVELOPMENTAL AND EPILEPTIC ENCEPHALOPATHY 6A; Dravet syndrome; Severe Myoclonic Epilepsy in Infancy (SMEI); Epileptic encephalopathy, early infantile, 6 (Dravet syndrome). Identifiers: Orphanet 33069, MedGen C0751122, MONDO:0100135, OMIM 607208.
Generalized epilepsy with febrile seizures plus, type 7 (GEFSP7). Also called: GEFS+, TYPE 7. Identifiers: Orphanet 36387, MedGen C2751778, MONDO:0013470, OMIM 613863.

Allele frequency attached by ClinVar (database versions not stated): gnomAD 0.00004 and 0.00005; ExAC 0.00008; gnomAD exomes 0.00008; TOPMed 0.00010; ESP Exome Variant Server 0.00025.
gnomAD v4.1: 53 of 1,597,896 alleles (0.0033%); highest among the groups gnomAD compares: Admixed American, 0.032%; 1 homozygote.

Submissions (5):

Labcorp Genetics (formerly Invitae), Labcorp
Classification: Likely benign for Neuropathy, hereditary sensory and autonomic, type 2A; Generalized epilepsy with febrile seizures plus, type 7. Last evaluated: 2026-01-05. Review status: criteria provided, single submitter. Criteria: Invitae Variant Classification Sherloc (09022015). Collection method: clinical testing. Allele origin: germline.

GeneDx
Classification: Uncertain significance. Last evaluated: 2024-10-01. Review status: criteria provided, single submitter. Criteria: GeneDx Variant Classification Process June 2021. Collection method: clinical testing. Allele origin: germline. Affected: yes.
Comment: In silico analysis supports that this missense variant has a deleterious effect on protein structure/function; Has not been previously published as pathogenic or benign to our knowledge

Ambry Genetics
Classification: Uncertain significance for Inborn genetic diseases. Last evaluated: 2019-12-09. Review status: criteria provided, single submitter. Criteria: Ambry Variant Classification Scheme 2023. Collection method: clinical testing. Allele origin: germline.
Comment: The p.T773S variant (also known as c.2318C>G), located in coding exon 14 of the SCN9A gene, results from a C to G substitution at nucleotide position 2318. The threonine at codon 773 is replaced by serine, an amino acid with similar properties. This amino acid position is highly conserved in available vertebrate species. In addition, this alteration is predicted to be deleterious by in silico analysis. Since supporting evidence is limited at this time, the clinical significance of this alteration remains unclear.

Baylor Genetics
Classification: Uncertain significance for Generalized epilepsy with febrile seizures plus, type 7. Last evaluated: 2018-11-08. Review status: criteria provided, single submitter. Criteria: ACMG Guidelines, 2015. Collection method: clinical testing. Allele origin: paternal. Affected: yes.
Comment: This variant was determined to be of uncertain significance according to ACMG Guidelines, 2015 [PMID:25741868].

Fulgent Genetics
Classification: Uncertain significance for Primary erythromelalgia; Paroxysmal extreme pain disorder; Neuropathy, hereditary sensory and autonomic, type 2A; Channelopathy-associated congenital insensitivity to pain, autosomal recessive; Severe myoclonic epilepsy in infancy; Generalized epilepsy with febrile seizures plus, type 7. Last evaluated: 2018-10-31. Review status: criteria provided, single submitter. Criteria: ACMG Guidelines, 2015. Collection method: clinical testing. Allele origin: unknown.